The following is an entry in ClinVar:

NM_014585.6(SLC40A1):c.*289G>T

Gene: SLC40A1 (solute carrier family 40 member 1; minus strand). Cytogenetic location: 2q32.2.
Variant type: single nucleotide variant.
Coding change: c.*289G>T on transcript NM_014585.6 (MANE Select); 289 bases downstream of the stop codon, G replaced by T.
Molecular consequence: 3 prime UTR variant.
Genome position (GRCh38, 1-based): chr2:189,561,589, C>A on the plus strand (G>T on the coding strand, the complement: SLC40A1 is on the minus strand). VCF-style: chr2-189561589-C-A. GRCh37 (hg19) VCF-style: chr2-190426315-C-A.
Identifiers: ClinVar variation 333159 (VCV000333159.5), dbSNP rs61525883, ClinGen allele CA10613516.

ClinVar aggregate classification (germline): Benign (1 of 4 stars; one submission).

Conditions:
Hemochromatosis type 4 (HFE4). Also called: HEMOCHROMATOSIS DUE TO DEFECT IN FERROPORTIN; HEMOCHROMATOSIS, AUTOSOMAL DOMINANT; Ferroportin disease. Identifiers: Orphanet 139491, Orphanet 647834, Orphanet 648562, MedGen C1853733, MONDO:0011631, OMIM 606069.

Allele frequency attached by ClinVar (database versions not stated): 1000 Genomes Project 0.01937; 1000 Genomes Project 30x 0.02046; gnomAD 0.01415; TOPMed 0.01555.
gnomAD v4.1: 2,587 of 360,572 alleles (0.72%); highest among the groups gnomAD compares: African/African-American, 5%; 71 homozygotes.

Submission:

Illumina Laboratory Services, Illumina
Classification: Benign for Hemochromatosis type 4. Last evaluated: 2018-01-13. Review status: criteria provided, single submitter. Criteria: ICSL Variant Classification Criteria 13 December 2019. Collection method: clinical testing. Allele origin: germline.
Comment: This variant was observed in the ICSL laboratory as part of a predisposition screen in an ostensibly healthy population. It had not been previously curated by ICSL or reported in the Human Gene Mutation Database (HGMD: prior to June 1st, 2018), and was therefore a candidate for classification through an automated scoring system. Utilizing variant allele frequency, disease prevalence and penetrance estimates, and inheritance mode, an automated score was calculated to assess if this variant is too frequent to cause the disease. Based on the score and internal cut-off values, a variant classified as benign is not then subjected to further curation. The score for this variant resulted in a classification of benign for this disease.